The following is an entry in ClinVar:

ClinVar aggregate classification (germline): Benign/Likely benign. Review status: criteria provided, multiple submitters, no conflicts (2 of 4 stars). 4 submissions from 4 submitters: Benign (2); Likely benign (2). Last evaluated 2025-12-25.

Conditions:
Developmental and epileptic encephalopathy, 36 (DEE36). Also called: Congenital disorder of glycosylation, type Is; Epileptic encephalopathy, early infantile, 36; ALG13-CDG. Identifiers: Orphanet 324422, MedGen C4317295, MONDO:0010472, OMIM 300884.

Allele frequency attached by ClinVar (database versions not stated): gnomAD exomes 0.00008 and 0.00019; ExAC 0.00030; 1000 Genomes Project 30x 0.00125; 1000 Genomes Project 0.00159; gnomAD 0.00002 and 0.00008; TOPMed 0.00002.
gnomAD v4.1: 99 of 1,207,441 alleles (0.0082%); highest among the groups gnomAD compares: South Asian, 0.16%; 1 homozygote.

Submissions (4):

Labcorp Genetics (formerly Invitae), Labcorp
Classification: Benign for Developmental and epileptic encephalopathy, 36. Last evaluated: 2025-12-25. Review status: criteria provided, single submitter. Criteria: Invitae Variant Classification Sherloc (09022015). Collection method: clinical testing. Allele origin: germline.

Genome-Nilou Lab
Classification: Benign for Developmental and epileptic encephalopathy, 36. Last evaluated: 2021-12-05. Review status: criteria provided, single submitter. Criteria: ACMG Guidelines, 2015. Collection method: clinical testing. Allele origin: germline. Affected: no.

Fulgent Genetics
Classification: Likely benign for Developmental and epileptic encephalopathy, 36. Last evaluated: 2021-10-20. Review status: criteria provided, single submitter. Criteria: ACMG Guidelines, 2015. Collection method: clinical testing. Allele origin: unknown.

GeneDx
Classification: Likely benign. Last evaluated: 2017-04-20. Review status: criteria provided, single submitter. Criteria: GeneDx Variant Classification (06012015). Collection method: clinical testing. Allele origin: germline. Affected: yes.
Comment: This variant is considered likely benign or benign based on one or more of the following criteria: it is a conservative change, it occurs at a poorly conserved position in the protein, it is predicted to be benign by multiple in silico algorithms, and/or has population frequency not consistent with disease.

NM_001099922.3(ALG13):c.2369G>A (p.Gly790Glu)

Gene: ALG13 (ALG13 UDP-N-acetylglucosaminyltransferase subunit; plus strand). Cytogenetic location: Xq23.
Variant type: single nucleotide variant.
Coding change: c.2369G>A on transcript NM_001099922.3 (MANE Select); coding-DNA position 2369, G replaced by A.
Protein change: p.Gly790Glu; replaces glycine 790 with glutamic acid.
Molecular consequence: missense variant. On other transcripts: non-coding transcript variant (1).
Genome position (GRCh38, 1-based): chrX:111,730,395, G>A. VCF-style: chrX-111730395-G-A. GRCh37 (hg19) VCF-style: chrX-110973623-G-A.
Other names: c.2057G>A, p.Gly686Glu (NM_001257230.2, NM_001257234.2, NM_001257237.2); c.2135G>A, p.Gly712Glu (NM_001257231.2); c.2369G>A, p.Gly790Glu (NM_001324292.2); c.1883G>A, p.Gly628Glu (NM_001324293.1); short protein forms G790E, G686E, G628E, G712E.
Identifiers: ClinVar variation 508546 (VCV000508546.11), dbSNP rs745411126, ClinGen allele CA10493875.